The following is an entry in ClinVar:

ClinVar aggregate classification (germline): Pathogenic/Likely pathogenic. Review status: criteria provided, multiple submitters, no conflicts (2 of 4 stars). 4 submissions from 4 submitters: Pathogenic (1); Likely pathogenic (3). Last evaluated 2026-08-28.

Conditions:
CEP164-related disorder. Also called: CEP164-related condition.
Nephronophthisis 15 (NPHP15). Identifiers: Orphanet 3156, MedGen C3541853, MONDO:0013917, OMIM 614845.

Allele frequency attached by ClinVar (database versions not stated): gnomAD exomes 0.00002 and 0.00003; ExAC 0.00003; gnomAD 0.00004; ESP Exome Variant Server 0.00008; 1000 Genomes Project 30x 0.00016; 1000 Genomes Project 0.00020.

Submissions (4):

PreventionGenetics, part of Exact Sciences
Classification: Likely pathogenic for CEP164-related condition. Last evaluated: 2026-08-28. Review status: criteria provided, single submitter. Criteria: ACMG Guidelines, 2015. Collection method: clinical testing. Allele origin: germline.
Comment: The CEP164 c.451C>T variant is predicted to result in premature protein termination (p.Arg151*). To our knowledge, this variant has not been reported in an individual with CEP164-related disease. This variant is reported in 0.0080% of alleles in individuals of African descent in gnomAD. Nonsense variants in CEP164 are expected to be pathogenic. This variant is interpreted as likely pathogenic.

Labcorp Genetics (formerly Invitae), Labcorp
Classification: Pathogenic for Nephronophthisis 15. Last evaluated: 2025-09-22. Review status: criteria provided, single submitter. Criteria: Invitae Variant Classification Sherloc (09022015). Collection method: clinical testing. Allele origin: germline.
Comment: This sequence change creates a premature translational stop signal (p.Arg151*) in the CEP164 gene. It is expected to result in an absent or disrupted protein product. Loss-of-function variants in CEP164 are known to be pathogenic (PMID: 22863007, 28125082, 32367404, 34132027, 34499853). This variant is present in population databases (rs149195472, gnomAD 0.008%). This variant has not been reported in the literature in individuals affected with CEP164-related conditions. ClinVar contains an entry for this variant (Variation ID: 1053450). For these reasons, this variant has been classified as Pathogenic.

Blueprint Genetics
Classification: Likely pathogenic for CEP164-related disorders. Last evaluated: 2023-12-06. Review status: criteria provided, single submitter. Criteria: ACMG Guidelines, 2015. Collection method: clinical testing. Allele origin: germline. Affected: yes. Observed: 4 variant alleles.

Fulgent Genetics
Classification: Likely pathogenic for Nephronophthisis 15. Last evaluated: 2022-05-09. Review status: criteria provided, single submitter. Criteria: ACMG Guidelines, 2015. Collection method: clinical testing. Allele origin: unknown.

Literature cited by the submitters: PubMed 22863007 (cited by Labcorp Genetics (formerly Invitae), Labcorp); PubMed 28125082 (cited by Labcorp Genetics (formerly Invitae), Labcorp); PubMed 32367404 (cited by Labcorp Genetics (formerly Invitae), Labcorp); PubMed 34132027 (cited by Labcorp Genetics (formerly Invitae), Labcorp); PubMed 34499853 (cited by Labcorp Genetics (formerly Invitae), Labcorp).

NM_014956.5(CEP164):c.451C>T (p.Arg151Ter)

Gene: CEP164 (centrosomal protein 164; plus strand). Cytogenetic location: 11q23.3.
Variant type: single nucleotide variant.
Coding change: c.451C>T on transcript NM_014956.5 (MANE Select); coding-DNA position 451, C replaced by T.
Protein change: p.Arg151Ter; replaces arginine 151 with a stop codon.
Molecular consequence: nonsense.
Genome position (GRCh38, 1-based): chr11:117,361,892, C>T. VCF-style: chr11-117361892-C-T. GRCh37 (hg19) VCF-style: chr11-117232608-C-T.
Other names: c.451C>T, p.Arg151Ter (NM_001271933.2); c.451C>T (NM_014956.4); short protein forms R151*.
Identifiers: ClinVar variation 1053450 (VCV001053450.10), dbSNP rs149195472, ClinGen allele CA6294483.
Genomic context (GRCh38, chr11:117,361,892, plus strand): 5'-CAGGCCTTGGGTTCCTCATTAGCCCCAGTTCATGTTCCTCTTGGGGGCCTGGCTCCTTTA[C>T]GAGGTCTTGTGGATACCCCACCCTCTGCTCTTCGTGGATCTCAAAGCGTGAGCCTGGGGA-3'